The following is an entry in ClinVar:

ClinVar aggregate classification (germline): Uncertain significance. Review status: criteria provided, multiple submitters, no conflicts (2 of 4 stars). 5 submissions from 5 submitters: Uncertain significance (5). Last evaluated 2026-09-01.

Conditions:
PDGFRA-related disorder. Also called: PDGFRA-related condition.
Polyps, multiple and recurrent inflammatory fibroid, gastrointestinal. Identifiers: MedGen C5193005, MONDO:0008285, OMIM 175510.
Hereditary cancer-predisposing syndrome. Also called: Tumor predisposition; Hereditary neoplastic syndrome; Neoplastic Syndromes, Hereditary; Hereditary Cancer Syndrome. Identifiers: Orphanet 140162, MedGen C0027672, MeSH D009386, MONDO:0015356.
Gastrointestinal stromal tumor. Also called: Gastrointestinal stromal tumor, somatic; Gastrointestinal stroma tumor. Identifiers: Orphanet 44890, MedGen C0238198, MeSH D046152, MONDO:0011719, OMIM 606764, HP:0100723.

Allele frequency attached by ClinVar (database versions not stated): ExAC 0.00001; gnomAD exomes 0.00001; gnomAD 0.00005; TOPMed 0.00007; 1000 Genomes Project 30x 0.00016; 1000 Genomes Project 0.00020.
gnomAD v4.1: 14 of 1,574,094 alleles (0.00089%); highest among the groups gnomAD compares: Admixed American, 0.015%; no homozygotes.

Submissions (5):

PreventionGenetics, part of Exact Sciences
Classification: Uncertain significance for PDGFRA-related condition. Last evaluated: 2026-09-01. Review status: criteria provided, single submitter. Criteria: ACMG Guidelines, 2015. Collection method: clinical testing. Allele origin: germline.
Comment: The PDGFRA c.2366G>A variant is predicted to result in the amino acid substitution p.Gly789Asp. To our knowledge, this variant has not been reported in the literature. This variant is reported in 0.0056% of alleles in individuals of Latino descent in gnomAD. This variant is interpreted as uncertain in ClinVar (Variation ID: 459056). At this time, the clinical significance of this variant is uncertain due to the absence of conclusive functional and genetic evidence.

Labcorp Genetics (formerly Invitae), Labcorp
Classification: Uncertain significance for Gastrointestinal stromal tumor. Last evaluated: 2025-11-23. Review status: criteria provided, single submitter. Criteria: Invitae Variant Classification Sherloc (09022015). Collection method: clinical testing. Allele origin: germline.
Comment: This sequence change replaces glycine, which is neutral and non-polar, with aspartic acid, which is acidic and polar, at codon 789 of the PDGFRA protein (p.Gly789Asp). This variant is present in population databases (rs555553917, gnomAD 0.006%). This variant has not been reported in the literature in individuals affected with PDGFRA-related conditions. ClinVar contains an entry for this variant (Variation ID: 459056). Invitae Evidence Modeling of protein sequence and biophysical properties (such as structural, functional, and spatial information, amino acid conservation, physicochemical variation, residue mobility, and thermodynamic stability) indicates that this missense variant is not expected to disrupt PDGFRA protein function with a negative predictive value of 80%. In summary, the available evidence is currently insufficient to determine the role of this variant in disease. Therefore, it has been classified as a Variant of Uncertain Significance.

Ambry Genetics
Classification: Uncertain significance for Hereditary cancer-predisposing syndrome. Last evaluated: 2024-12-30. Review status: criteria provided, single submitter. Criteria: Ambry Variant Classification Scheme 2023. Collection method: clinical testing. Allele origin: germline.
Comment: The p.G789D variant (also known as c.2366G>A), located in coding exon 16 of the PDGFRA gene, results from a G to A substitution at nucleotide position 2366. The glycine at codon 789 is replaced by aspartic acid, an amino acid with similar properties. This amino acid position is highly conserved in available vertebrate species. In addition, this alteration is predicted to be deleterious by in silico analysis. Based on the available evidence, the clinical significance of this variant remains unclear.

GeneDx
Classification: Uncertain significance. Last evaluated: 2024-02-02. Review status: criteria provided, single submitter. Criteria: GeneDx Variant Classification Process June 2021. Collection method: clinical testing. Allele origin: germline.
Comment: Not observed at significant frequency in large population cohorts (gnomAD); In silico analysis supports that this missense variant does not alter protein structure/function; Has not been previously published as pathogenic or benign to our knowledge

Baylor Genetics
Classification: Uncertain significance for Polyps, multiple and recurrent inflammatory fibroid, gastrointestinal. Last evaluated: 2023-11-03. Review status: criteria provided, single submitter. Criteria: ACMG Guidelines, 2015. Collection method: clinical testing. Allele origin: unknown.

NM_006206.6(PDGFRA):c.2366G>A (p.Gly789Asp)

Gene: PDGFRA (platelet derived growth factor receptor alpha; plus strand). Cytogenetic location: 4q12.
Variant type: single nucleotide variant.
Coding change: c.2366G>A on transcript NM_006206.6 (MANE Select); coding-DNA position 2366, G replaced by A.
Protein change: p.Gly789Asp; replaces glycine 789 with aspartic acid.
Molecular consequence: missense variant.
Genome position (GRCh38, 1-based): chr4:54,285,413, G>A. VCF-style: chr4-54285413-G-A. GRCh37 (hg19) VCF-style: chr4-55151580-G-A.
Other names: c.2441G>A, p.Gly814Asp (NM_001347828.2); c.2366G>A, p.Gly789Asp (NM_001347829.2); c.2405G>A, p.Gly802Asp (NM_001347830.2); c.2366G>A (NM_006206.5); short protein forms G789D, G802D, G814D.
Identifiers: ClinVar variation 459056 (VCV000459056.17), dbSNP rs555553917, ClinGen allele CA2922845.